The following is an entry in ClinVar:

ClinVar aggregate classification (germline): Uncertain significance (1 of 4 stars; one submission).

Allele frequency attached by ClinVar (database versions not stated): gnomAD exomes below 0.00001.
gnomAD v4.1: 2 of 1,543,842 alleles (0.00013%); highest among the groups gnomAD compares: Middle Eastern, 0.017%; no homozygotes.

Submission:

GeneDx
Classification: Uncertain significance. Last evaluated: 2022-12-20. Review status: criteria provided, single submitter. Criteria: GeneDx Variant Classification Process June 2021. Collection method: clinical testing. Allele origin: germline. Affected: yes.
Comment: Not observed at significant frequency in large population cohorts (gnomAD); In silico analysis supports that this missense variant has a deleterious effect on protein structure/function; Has not been previously published as pathogenic or benign to our knowledge

NM_001127392.3(MYRF):c.2026A>T (p.Met676Leu)

Gene: MYRF (myelin regulatory factor; plus strand). Cytogenetic location: 11q12.2.
Variant type: single nucleotide variant.
Coding change: c.2026A>T on transcript NM_001127392.3 (MANE Select); coding-DNA position 2026, A replaced by T.
Protein change: p.Met676Leu; replaces methionine 676 with leucine.
Molecular consequence: missense variant.
Genome position (GRCh38, 1-based): chr11:61,779,275, A>T. VCF-style: chr11-61779275-A-T. GRCh37 (hg19) VCF-style: chr11-61546747-A-T.
Other names: c.1999A>T, p.Met667Leu (NM_013279.4); short protein forms M667L, M676L.
Identifiers: ClinVar variation 1806647 (VCV001806647.1), dbSNP rs2540977400, ClinGen allele CA380858266.
Genomic context (GRCh38, chr11:61,779,275, plus strand): 5'-TGGGCCCTCTGTGTTGGCCCATGGCCCATGGCCCATGGCCCATGGCAGGAGCGCATCTTC[A>T]TGGAGAACGTAGGGGCCGTGAAGGAGCTGTGCAAGCTGACAGACAACCTGGAGACGCGCA-3'
Protein context (NP_001120864.1, residues 666-686): FLVVNKERIF[Met676Leu]ENVGAVKELC